The following is an entry in ClinVar:

ClinVar aggregate classification (germline): Uncertain significance (1 of 4 stars; one submission).

Conditions:
SLC35A2-congenital disorder of glycosylation. Also called: SLC35A2-CDG; CONGENITAL DISORDER OF GLYCOSYLATION, TYPE IIm; CDG IIm; CONGENITAL DISORDER OF GLYCOSYLATION, TYPE IIm, SOMATIC MOSAIC; DEVELOPMENTAL AND EPILEPTIC ENCEPHALOPATHY 22; EPILEPTIC ENCEPHALOPATHY, EARLY INFANTILE, 22. Identifiers: Orphanet 356961, MedGen C3806688, MONDO:0010478, OMIM 300896.

gnomAD v4.1: 6 of 1,208,877 alleles (0.0005%); highest among the groups gnomAD compares: Non-Finnish European, 0.00067%; no homozygotes.

Submission:

Labcorp Genetics (formerly Invitae), Labcorp
Classification: Uncertain significance for SLC35A2-congenital disorder of glycosylation. Last evaluated: 2025-01-08. Review status: criteria provided, single submitter. Criteria: Invitae Variant Classification Sherloc (09022015). Collection method: clinical testing. Allele origin: germline.
Comment: This sequence change replaces arginine, which is basic and polar, with histidine, which is basic and polar, at codon 55 of the SLC35A2 protein (p.Arg55His). The frequency data for this variant in the population databases is considered unreliable, as metrics indicate poor data quality at this position in the gnomAD database. This variant has not been reported in the literature in individuals affected with SLC35A2-related conditions. Invitae Evidence Modeling of protein sequence and biophysical properties (such as structural, functional, and spatial information, amino acid conservation, physicochemical variation, residue mobility, and thermodynamic stability) indicates that this missense variant is not expected to disrupt SLC35A2 protein function with a negative predictive value of 80%. This variant disrupts the p.Arg55 amino acid residue in SLC35A2. Other variant(s) that disrupt this residue have been determined to be pathogenic (PMID: 30746764). This suggests that this residue is clinically significant, and that variants that disrupt this residue are likely to be disease-causing. In summary, the available evidence is currently insufficient to determine the role of this variant in disease. Therefore, it has been classified as a Variant of Uncertain Significance.

Literature cited by the submitters: PubMed 30746764.

NM_005660.3(SLC35A2):c.164G>A (p.Arg55His)

Gene: SLC35A2 (solute carrier family 35 member A2; minus strand). Cytogenetic location: Xp11.23.
Variant type: single nucleotide variant.
Coding change: c.164G>A on transcript NM_005660.3 (MANE Select); coding-DNA position 164, G replaced by A.
Protein change: p.Arg55His; replaces arginine 55 with histidine.
Molecular consequence: missense variant. On other transcripts: intron variant (1).
Genome position (GRCh38, 1-based): chrX:48,909,924, C>T on the plus strand (G>A on the coding strand, the complement: SLC35A2 is on the minus strand). VCF-style: chrX-48909924-C-T. GRCh37 (hg19) VCF-style: chrX-48767201-C-T.
Other names: c.164G>A, p.Arg55His (NM_001032289.3, NM_001042498.3, NM_001282647.2); c.92G>A, p.Arg31His (NM_001282648.2); c.203G>A, p.Arg68His (NM_001282650.2); c.248G>A, p.Arg83His (NM_001282651.2); c.91+1622G>A (NM_001282649.2); short protein forms R68H, R83H, R31H, R55H.
Identifiers: ClinVar variation 3666775 (VCV003666775.2).